The following is an entry in ClinVar:

ClinVar aggregate classification (germline): Uncertain significance (1 of 4 stars; one submission).

Allele frequency attached by ClinVar (database versions not stated): gnomAD 0.00001; gnomAD exomes 0.00002; ExAC 0.00003; TOPMed below 0.00001.

Submission:

Labcorp Genetics (formerly Invitae), Labcorp
Classification: Uncertain significance. Last evaluated: 2025-06-04. Review status: criteria provided, single submitter. Criteria: Invitae Variant Classification Sherloc (09022015). Collection method: clinical testing. Allele origin: germline.
Comment: This sequence change replaces asparagine, which is neutral and polar, with serine, which is neutral and polar, at codon 12 of the OSGEP protein (p.Asn12Ser). This variant is present in population databases (rs755932025, gnomAD 0.02%). This missense change has been observed in individual(s) with Galloway-Mowat syndrome (internal data). ClinVar contains an entry for this variant (Variation ID: 2888307). Invitae Evidence Modeling of protein sequence and biophysical properties (such as structural, functional, and spatial information, amino acid conservation, physicochemical variation, residue mobility, and thermodynamic stability) indicates that this missense variant is expected to disrupt OSGEP protein function with a positive predictive value of 80%. In summary, the available evidence is currently insufficient to determine the role of this variant in disease. Therefore, it has been classified as a Variant of Uncertain Significance.

NM_017807.4(OSGEP):c.35A>G (p.Asn12Ser)

Genes: OSGEP (O-sialoglycoprotein endopeptidase; minus strand), LOC107372315 (OSGEP/APEX1 bi-directional promoter region; plus strand). Cytogenetic location: 14q11.2.
Variant type: single nucleotide variant.
Coding change: c.35A>G on transcript NM_017807.4 (MANE Select); coding-DNA position 35, A replaced by G.
Protein change: p.Asn12Ser; replaces asparagine 12 with serine.
Molecular consequence: missense variant.
Genome position (GRCh38, 1-based): chr14:20,454,649, T>C on the plus strand (A>G on the coding strand, the complement: OSGEP is on the minus strand). VCF-style: chr14-20454649-T-C. GRCh37 (hg19) VCF-style: chr14-20922808-T-C.
Other names: short protein forms N12S.
Identifiers: ClinVar variation 2888307 (VCV002888307.3), dbSNP rs755932025, ClinGen allele CA7081366.